The following is an entry in ClinVar:

ClinVar aggregate classification (germline): Uncertain significance. Review status: criteria provided, multiple submitters, no conflicts (2 of 4 stars). 2 submissions from 2 submitters: Uncertain significance (2). Last evaluated 2025-10-05.

Conditions:
Cardiovascular phenotype. Identifiers: MedGen CN230736.
Brugada syndrome. Also called: Sudden unexplained nocturnal death syndrome; Sudden Unexplained Death Syndrome; Sudden Unexplained Nocturnal Death Syndrome (SUNDS); Sudden unexpected nocturnal death syndrome. Identifiers: Orphanet 130, MedGen C1142166, MONDO:0015263.

Allele frequency attached by ClinVar (database versions not stated): TOPMed below 0.00001; gnomAD 0.00001.
gnomAD v4.1: 1 of 1,613,512 alleles (0.000062%); highest among the groups gnomAD compares: African/African-American, 0.0013%; no homozygotes.

Submissions (2):

Ambry Genetics
Classification: Uncertain significance for Cardiovascular phenotype. Last evaluated: 2025-10-05. Review status: criteria provided, single submitter. Criteria: Ambry Variant Classification Scheme 2023. Collection method: clinical testing. Allele origin: germline.
Comment: The p.A278S variant (also known as c.832G>T), located in coding exon 6 of the GPD1L gene, results from a G to T substitution at nucleotide position 832. The alanine at codon 278 is replaced by serine, an amino acid with similar properties. This amino acid position is conserved. In addition, the in silico prediction for this alteration is inconclusive. Based on the available evidence, the clinical significance of this variant remains unclear.

Labcorp Genetics (formerly Invitae), Labcorp
Classification: Uncertain significance for Brugada syndrome. Last evaluated: 2024-02-16. Review status: criteria provided, single submitter. Criteria: Invitae Variant Classification Sherloc (09022015). Collection method: clinical testing. Allele origin: germline.
Comment: This sequence change replaces alanine, which is neutral and non-polar, with serine, which is neutral and polar, at codon 278 of the GPD1L protein (p.Ala278Ser). This variant is present in population databases (no rsID available, gnomAD 0.01%). This variant has not been reported in the literature in individuals affected with GPD1L-related conditions. ClinVar contains an entry for this variant (Variation ID: 1061806). Advanced modeling of protein sequence and biophysical properties (such as structural, functional, and spatial information, amino acid conservation, physicochemical variation, residue mobility, and thermodynamic stability) performed at Invitae indicates that this missense variant is not expected to disrupt GPD1L protein function with a negative predictive value of 80%. In summary, the available evidence is currently insufficient to determine the role of this variant in disease. Therefore, it has been classified as a Variant of Uncertain Significance.

NM_015141.4(GPD1L):c.832G>T (p.Ala278Ser)

Gene: GPD1L (glycerol-3-phosphate dehydrogenase 1 like; plus strand). Cytogenetic location: 3p22.3.
Variant type: single nucleotide variant.
Coding change: c.832G>T on transcript NM_015141.4 (MANE Select); coding-DNA position 832, G replaced by T.
Protein change: p.Ala278Ser; replaces alanine 278 with serine.
Molecular consequence: missense variant.
Genome position (GRCh38, 1-based): chr3:32,159,089, G>T. VCF-style: chr3-32159089-G-T. GRCh37 (hg19) VCF-style: chr3-32200581-G-T.
Other names: c.832G>T (NM_015141.3); short protein forms A278S.
Identifiers: ClinVar variation 1061806 (VCV001061806.6), dbSNP rs900845107, ClinGen allele CA72530399.